The following is an entry in ClinVar:

NC_000016.9:g.(?_89818526)_(89833665_?)dup

Gene: FANCA (FA complementation group A; minus strand). Cytogenetic location: 16q24.3.
Variant type: Duplication.
Identifiers: ClinVar variation 2422424 (VCV002422424.2).

ClinVar aggregate classification (germline): Likely pathogenic (1 of 4 stars; one submission).

Conditions:
Fanconi anemia (FA). Also called: Fanconi's anemia. Identifiers: Orphanet 84, MedGen C0015625, MeSH D005199, MONDO:0019391.

Submission:

Labcorp Genetics (formerly Invitae), Labcorp
Classification: Likely pathogenic for Fanconi anemia. Last evaluated: 2022-05-06. Review status: criteria provided, single submitter. Criteria: Invitae Variant Classification Sherloc (09022015). Collection method: clinical testing. Allele origin: germline.
Comment: This variant results in a copy number gain of the genomic region encompassing exon(s) 27-31 of the FANCA gene. While the exact position of this variant cannot be determined from the data, sub-genic copy number gains are generally in tandem (PMID: 25640679). This variant is predicted to be out-of-frame, and may result in an absent or disrupted protein product. Loss-of-function variants in FANCA are known to be pathogenic (PMID: 19367192). This variant has not been reported in the literature in individuals affected with FANCA-related conditions. In summary, the currently available evidence indicates that the variant is pathogenic, but additional data are needed to prove that conclusively. Therefore, this variant has been classified as Likely Pathogenic.

Literature cited by the submitters: PubMed 25640679; PubMed 19367192.